The following is an entry in ClinVar:

ClinVar aggregate classification (germline): Likely benign. Review status: criteria provided, multiple submitters, no conflicts (2 of 4 stars). 3 submissions from 3 submitters: Likely benign (2). 1 of the submissions does not count toward it. Last evaluated 2025-05-19.

Conditions:
ITGB4-related disorder. Also called: ITGB4-related condition.

Allele frequency attached by ClinVar (database versions not stated): TOPMed 0.00005; gnomAD 0.00007; ExAC 0.00008; gnomAD exomes 0.00010.
gnomAD v4.1: 167 of 1,602,346 alleles (0.01%); highest among the groups gnomAD compares: Middle Eastern, 0.016%; no homozygotes.

Submissions (3):

Labcorp Genetics (formerly Invitae), Labcorp
Classification: Likely benign. Last evaluated: 2025-05-19. Review status: criteria provided, single submitter. Criteria: Invitae Variant Classification Sherloc (09022015). Collection method: clinical testing. Allele origin: germline.

CeGaT Center for Human Genetics Tuebingen
Classification: Likely benign. Last evaluated: 2023-07-01. Review status: criteria provided, single submitter. Criteria: CeGaT Center For Human Genetics Tuebingen Variant Classification Criteria Version 2. Collection method: clinical testing. Allele origin: germline. Affected: yes. Observed: 1 variant allele.
Comment: ITGB4: BP4, BP7

PreventionGenetics, part of Exact Sciences
Classification: Likely benign for ITGB4-related condition. Last evaluated: 2023-12-18. Review status: no assertion criteria provided. Collection method: clinical testing. Allele origin: germline. Not counted in ClinVar's aggregate classification.
Comment: This variant is classified as likely benign based on ACMG/AMP sequence variant interpretation guidelines (Richards et al. 2015 PMID: 25741868, with internal and published modifications).

NM_000213.5(ITGB4):c.1920C>T (p.Thr640=)

Gene: ITGB4 (integrin subunit beta 4; plus strand). Cytogenetic location: 17q25.1.
Variant type: single nucleotide variant.
Coding change: c.1920C>T on transcript NM_000213.5 (MANE Select); coding-DNA position 1920, C replaced by T.
Protein change: p.Thr640=; no amino-acid change (threonine 640 retained).
Molecular consequence: synonymous variant.
Genome position (GRCh38, 1-based): chr17:75,736,624, C>T. VCF-style: chr17-75736624-C-T. GRCh37 (hg19) VCF-style: chr17-73732705-C-T.
Other names: c.1920C>T, p.Thr640= (NM_001005619.2, NM_001005731.3, NM_001321123.2).
Identifiers: ClinVar variation 2648280 (VCV002648280.28), dbSNP rs8064968, ClinGen allele CA8769186.